The following is an entry in ClinVar:

NM_024426.6(WT1):c.456C>A (p.Gly152=)

Genes: WT1 (WT1 transcription factor; minus strand), LOC107982234 (WT1/WT1-AS bi-directional promoter region; plus strand). Cytogenetic location: 11p13.
Variant type: single nucleotide variant.
Coding change: c.456C>A on transcript NM_024426.6 (MANE Select); coding-DNA position 456, C replaced by A.
Protein change: p.Gly152=; no amino-acid change (glycine 152 retained).
Molecular consequence: synonymous variant. On other transcripts: non-coding transcript variant (1).
Genome position (GRCh38, 1-based): chr11:32,434,905, G>T on the plus strand (C>A on the coding strand, the complement: WT1 is on the minus strand). VCF-style: chr11-32434905-G-T. GRCh37 (hg19) VCF-style: chr11-32456451-G-T.
Other names: c.441C>A (NM_024426.4); c.456C>A, p.Gly152= (NM_000378.6, NM_024424.5).
Identifiers: ClinVar variation 1541965 (VCV001541965.10), dbSNP rs2133103187, ClinGen allele CA473571758.

ClinVar aggregate classification (germline): Likely benign. Review status: criteria provided, single submitter (1 of 4 stars). 2 submissions from 2 submitters: Likely benign (1). 1 of the submissions does not count toward it. Last evaluated 2020-12-24.

Conditions:
WT1-related disorder. Also called: WT1-related disorders. Identifiers: MedGen CN377814.
Wilms tumor 1 (WT1). Also called: Wilms tumor, somatic. Identifiers: Orphanet 654, MedGen CN033288, MONDO:0008679, OMIM 194070.
11p partial monosomy syndrome (WAGR). Also called: WAGR Complex; CHROMOSOME 11p13 DELETION SYNDROME; WAGR syndrome; WAGR Spectrum Disorder. Identifiers: Orphanet 893, MedGen C0206115, MONDO:0008681, OMIM 194072.
Drash syndrome (DDS). Also called: NEPHROPATHY, WILMS TUMOR, AND GENITAL ANOMALIES; WILMS TUMOR AND PSEUDO- OR TRUE HERMAPHRODITISM. Identifiers: Orphanet 220, MedGen C0950121, MONDO:0008682, OMIM 194080.
Frasier syndrome. Identifiers: Orphanet 347, MedGen C0950122, MeSH D052159, MONDO:0007635, OMIM 136680.

Submissions (2):

Labcorp Genetics (formerly Invitae), Labcorp
Classification: Likely benign for Wilms tumor 1; Drash syndrome; 11p partial monosomy syndrome; Frasier syndrome. Last evaluated: 2020-12-24. Review status: criteria provided, single submitter. Criteria: Invitae Variant Classification Sherloc (09022015). Collection method: clinical testing. Allele origin: germline.

PreventionGenetics, part of Exact Sciences
Classification: Likely benign for WT1-related condition. Last evaluated: 2022-05-18. Review status: no assertion criteria provided. Collection method: clinical testing. Allele origin: germline. Not counted in ClinVar's aggregate classification.
Comment: This variant is classified as likely benign based on ACMG/AMP sequence variant interpretation guidelines (Richards et al. 2015 PMID: 25741868, with internal and published modifications).